The following is an entry in ClinVar:

ClinVar aggregate classification (germline): Uncertain significance (1 of 4 stars; one submission).

Conditions:
Familial hemophagocytic lymphohistiocytosis 3 (FHL3). Also called: UNC13D-Related Familial Hemophagocytic Lymphohistiocytosis (UNC13D-fHLH). Identifiers: Orphanet 540, MedGen C1837174, MONDO:0012146, OMIM 608898.

Submission:

Labcorp Genetics (formerly Invitae), Labcorp
Classification: Uncertain significance for Familial hemophagocytic lymphohistiocytosis 3. Last evaluated: 2026-01-11. Review status: criteria provided, single submitter. Criteria: Invitae Variant Classification Sherloc (09022015). Collection method: clinical testing. Allele origin: germline.
Comment: This sequence change replaces glutamine, which is neutral and polar, with histidine, which is basic and polar, at codon 504 of the UNC13D protein (p.Gln504His). This variant is not present in population databases (gnomAD no frequency). This variant has not been reported in the literature in individuals affected with UNC13D-related conditions. Invitae Evidence Modeling of protein sequence and biophysical properties (such as structural, functional, and spatial information, amino acid conservation, physicochemical variation, residue mobility, and thermodynamic stability) indicates that this missense variant is not expected to disrupt UNC13D protein function with a negative predictive value of 80%. In summary, the available evidence is currently insufficient to determine the role of this variant in disease. Therefore, it has been classified as a Variant of Uncertain Significance.

NM_199242.3(UNC13D):c.1512G>C (p.Gln504His)

Gene: UNC13D (unc-13 homolog D; minus strand). Cytogenetic location: 17q25.1.
Variant type: single nucleotide variant.
Coding change: c.1512G>C on transcript NM_199242.3 (MANE Select); coding-DNA position 1512, G replaced by C.
Protein change: p.Gln504His; replaces glutamine 504 with histidine.
Molecular consequence: missense variant.
Genome position (GRCh38, 1-based): chr17:75,836,044, C>G on the plus strand (G>C on the coding strand, the complement: UNC13D is on the minus strand). VCF-style: chr17-75836044-C-G. GRCh37 (hg19) VCF-style: chr17-73832125-C-G.
Other names: short protein forms Q504H.
Identifiers: ClinVar variation 4702339 (VCV004702339.1).
Genomic context (GRCh38, chr17:75,836,044, plus strand): 5'-CTACCTCCCGACCTGGCTATCTGCTCACTTGTGGAAGATCTTGTCCCATGTGCGCTGGCA[C>G]TGGTGCAGGTCGCCAATGACATCCTGTACCAGGCCCAGCAAGGCCTTGCCTGCCTCCGGG-3'
Protein context (NP_954712.1, residues 494-514): LVQDVIGDLH[Gln504His]CQRTWDKIFH